The following is an entry in ClinVar:

NM_001999.4(FBN2):c.3413T>G (p.Phe1138Cys)

Gene: FBN2 (fibrillin 2; minus strand). Cytogenetic location: 5q23.3.
Variant type: single nucleotide variant.
Coding change: c.3413T>G on transcript NM_001999.4 (MANE Select); coding-DNA position 3413, T replaced by G.
Protein change: p.Phe1138Cys; replaces phenylalanine 1138 with cysteine.
Molecular consequence: missense variant.
Genome position (GRCh38, 1-based): chr5:128,338,992, A>C on the plus strand (T>G on the coding strand, the complement: FBN2 is on the minus strand). VCF-style: chr5-128338992-A-C. GRCh37 (hg19) VCF-style: chr5-127674684-A-C.
Other names: short protein forms F1138C.
Identifiers: ClinVar variation 2766736 (VCV002766736.3), dbSNP rs2479811867, ClinGen allele CA360759949.

ClinVar aggregate classification (germline): Uncertain significance (1 of 4 stars; one submission).

Conditions:
Congenital contractural arachnodactyly (CCA). Also called: BEALS SYNDROME; Arthrogryposis, distal, type 9; Beals-Hecht syndrome. Identifiers: Orphanet 115, MedGen C0220668, MONDO:0007363, OMIM 121050.

Submission:

Labcorp Genetics (formerly Invitae), Labcorp
Classification: Uncertain significance for Congenital contractural arachnodactyly. Last evaluated: 2023-10-07. Review status: criteria provided, single submitter. Criteria: Invitae Variant Classification Sherloc (09022015). Collection method: clinical testing. Allele origin: germline.
Comment: This sequence change replaces phenylalanine, which is neutral and non-polar, with cysteine, which is neutral and slightly polar, at codon 1138 of the FBN2 protein (p.Phe1138Cys). This variant is not present in population databases (gnomAD no frequency). This variant has not been reported in the literature in individuals affected with FBN2-related conditions. Advanced modeling of protein sequence and biophysical properties (such as structural, functional, and spatial information, amino acid conservation, physicochemical variation, residue mobility, and thermodynamic stability) performed at Invitae indicates that this missense variant is expected to disrupt FBN2 protein function. In summary, the available evidence is currently insufficient to determine the role of this variant in disease. Therefore, it has been classified as a Variant of Uncertain Significance.